The following is an entry in ClinVar:

NM_000540.3(RYR1):c.1926-6C>T

Gene: RYR1 (ryanodine receptor 1; plus strand). Cytogenetic location: 19q13.2.
Variant type: single nucleotide variant.
Coding change: c.1926-6C>T on transcript NM_000540.3 (MANE Select); 6 bases into the intron before coding-DNA position 1926, C replaced by T.
Molecular consequence: intron variant.
Genome position (GRCh38, 1-based): chr19:38,458,045, C>T. VCF-style: chr19-38458045-C-T. GRCh37 (hg19) VCF-style: chr19-38948685-C-T.
Other names: c.1926-6C>T (NM_001042723.2).
Identifiers: ClinVar variation 2919563 (VCV002919563.4), dbSNP rs1281457211, ClinGen allele CA632873324.
Genomic context (GRCh38, chr19:38,458,045, plus strand): 5'-TCCCACCACTTGGCTCTCCTCTCTGCCTCTCCGTCATCCCCCTCTCCTGTCCCATCTCTC[C>T]TGCAGCATCCGCCCCAACATCTTTGTGGGCCGAGCGGAAGGCACCACGCAGTACAGCAAA-3'

ClinVar aggregate classification (germline): Likely benign. Review status: criteria provided, multiple submitters, no conflicts (2 of 4 stars). 2 submissions from 2 submitters: Likely benign (2). Last evaluated 2025-04-17.

Conditions:
RYR1-related disorder. Also called: RYR1-related disorders; RYR1-related condition. Identifiers: MedGen CN239331.
Malignant hyperthermia, susceptibility to, 1 (MHS1). Also called: Anesthesia related hyperthermia; Malignant hyperpyrexia; Fulminating hyperpyrexia; Pharmacogenic myopathy; Malignant hyperthermia suceptibility 1; RYR1-Related Malignant Hyperthermia Susceptibility. Identifiers: Orphanet 423, MedGen C2930980, MONDO:0007783, OMIM 145600.

Allele frequency attached by ClinVar (database versions not stated): gnomAD exomes below 0.00001; TOPMed below 0.00001; gnomAD 0.00001.
gnomAD v4.1: 3 of 1,613,224 alleles (0.00019%); highest among the groups gnomAD compares: South Asian, 0.0011%; no homozygotes.

Submissions (2):

Labcorp Genetics (formerly Invitae), Labcorp
Classification: Likely benign for RYR1-related disorder. Last evaluated: 2025-04-17. Review status: criteria provided, single submitter. Criteria: Invitae Variant Classification Sherloc (09022015). Collection method: clinical testing. Allele origin: germline.

All of Us Research Program, National Institutes of Health
Classification: Likely benign for Malignant hyperthermia, susceptibility to, 1. Last evaluated: 2023-06-26. Review status: criteria provided, single submitter. Criteria: ACMG Guidelines, 2015. Collection method: clinical testing. Allele origin: germline. Inheritance: Autosomal dominant inheritance. Observed: 1 variant allele, 1 heterozygote.
Comment: This study involves interpretation of variants in research participants for the purpose of population health screening. Participant phenotype was not available at the time of variant classification. Additional details can be found in publication PMID: 35346344, PMCID: PMC8962531